The following is an entry in ClinVar:

ClinVar aggregate classification (germline): Uncertain significance (1 of 4 stars; one submission).

Conditions:
LTBP3-related disorder. Also called: LTBP3-related condition.

Submission:

PreventionGenetics, part of Exact Sciences
Classification: Uncertain significance for LTBP3-related condition. Last evaluated: 2025-08-28. Review status: criteria provided, single submitter. Criteria: ACMG Guidelines, 2015. Collection method: clinical testing. Allele origin: germline.
Comment: The LTBP3 c.1928G>A variant is predicted to result in the amino acid substitution p.Cys643Tyr. To our knowledge, this variant has not been reported in the literature. This variant is reported in 0.00098% of alleles in individuals of European (Non-Finnish) descent in gnomAD. At this time, the clinical significance of this variant is uncertain due to the absence of conclusive functional and genetic evidence.

NM_001130144.3(LTBP3):c.1928G>A (p.Cys643Tyr)

Genes: LTBP3 (latent transforming growth factor beta binding protein 3; minus strand), LOC130006032 (ATAC-STARR-seq lymphoblastoid silent region 3535; plus strand). Cytogenetic location: 11q13.1.
Variant type: single nucleotide variant.
Coding change: c.1928G>A on transcript NM_001130144.3 (MANE Select); coding-DNA position 1928, G replaced by A.
Protein change: p.Cys643Tyr; replaces cysteine 643 with tyrosine.
Molecular consequence: missense variant.
Genome position (GRCh38, 1-based): chr11:65,547,740, C>T on the plus strand (G>A on the coding strand, the complement: LTBP3 is on the minus strand). VCF-style: chr11-65547740-C-T. GRCh37 (hg19) VCF-style: chr11-65315211-C-T.
Other names: c.1577G>A, p.Cys526Tyr (NM_001164266.1); c.1928G>A, p.Cys643Tyr (NM_021070.4); short protein forms C526Y, C643Y.
Identifiers: ClinVar variation 4994699 (VCV004994699.1).
Genomic context (GRCh38, chr11:65,547,740, plus strand): 5'-CGGCGCTCACCCACGCACGAGCGCCCCCCGGCGCCCACGTGCAGGCGGTAGCCGCGGTTG[C>T]AGTGGCAATTGTAGGAGCCGCCGGTGTTCATGCAGATGCCCCTCCCCGGGCCACAGGGCT-3'
Protein context (NP_001123616.1, residues 633-653): MNTGGSYNCH[Cys643Tyr]NRGYRLHVGA